The following is an entry in ClinVar:

NM_006361.6(HOXB13):c.21C>A (p.Ala7=)

Gene: HOXB13 (homeobox B13; minus strand). Cytogenetic location: 17q21.32.
Variant type: single nucleotide variant.
Coding change: c.21C>A on transcript NM_006361.6 (MANE Select); coding-DNA position 21, C replaced by A.
Protein change: p.Ala7=; no amino-acid change (alanine 7 retained).
Molecular consequence: synonymous variant.
Genome position (GRCh38, 1-based): chr17:48,728,573, G>T on the plus strand (C>A on the coding strand, the complement: HOXB13 is on the minus strand). VCF-style: chr17-48728573-G-T. GRCh37 (hg19) VCF-style: chr17-46805935-G-T.
Identifiers: ClinVar variation 3772986 (VCV003772986.1).

ClinVar aggregate classification (germline): Benign (1 of 4 stars; one submission).

Conditions:
Prostate cancer, hereditary, 9 (HPC9). Identifiers: Orphanet 1331, MedGen C1970250, MONDO:0012597, OMIM 610997.

Submission:

Myriad Genetics, Inc.
Classification: Benign for Prostate cancer, hereditary, 9. Last evaluated: 2024-10-28. Review status: criteria provided, single submitter. Criteria: Myriad Autosomal Dominant, Autosomal Recessive and X-Linked Classification Criteria (2023). Collection method: clinical testing. Allele origin: unknown.
Comment: This variant is considered benign. This variant is a silent/synonymous amino acid change and it is not expected to impact splicing.